The following is an entry in ClinVar:

ClinVar aggregate classification (germline): Pathogenic (1 of 4 stars; one submission).

Conditions:
Hereditary breast ovarian cancer syndrome. Also called: Hereditary breast and ovarian cancer syndrome; Hereditary breast and/or ovarian cancer syndrome; Hereditary breast and ovarian cancer syndrome (HBOC); Breast and ovarian cancer; BRCA1- and BRCA2-Associated Hereditary Breast and Ovarian Cancer; Hereditary breast and ovarian cancer. Identifiers: Orphanet 145, MedGen C0677776, MeSH D061325, MONDO:0003582. Disease mechanism: loss of function.

Submission:

Labcorp Genetics (formerly Invitae), Labcorp
Classification: Pathogenic for Hereditary breast ovarian cancer syndrome. Last evaluated: 2024-01-31. Review status: criteria provided, single submitter. Criteria: Invitae Variant Classification Sherloc (09022015). Collection method: clinical testing. Allele origin: germline.
Comment: This variant is a gross deletion of the genomic region encompassing exon(s) 21 of the BRCA2 gene. This deletion is out-of-frame, and is expected to create a premature termination codon and result in an absent or disrupted protein product. Loss-of-function variants in BRCA2 are known to be pathogenic (PMID: 20104584). A similar copy number variant has been observed in individual(s) with breast and/or ovarian cancer (PMID: 16551709, 27257965). For these reasons, this variant has been classified as Pathogenic.

Literature cited by the submitters: PubMed 20104584; PubMed 16551709; PubMed 27257965.

NC_000013.11:g.(?_32376650)_(32376811_?)del

Gene: BRCA2 (BRCA2 DNA repair associated; plus strand). Cytogenetic location: 13q13.1.
Variant type: Deletion.
Identifiers: ClinVar variation 583828 (VCV000583828.9).